The following is an entry in ClinVar:

NM_001844.5(COL2A1):c.1205G>T (p.Gly402Val)

Gene: COL2A1 (collagen type II alpha 1 chain; minus strand). Cytogenetic location: 12q13.11.
Variant type: single nucleotide variant.
Coding change: c.1205G>T on transcript NM_001844.5 (MANE Select); coding-DNA position 1205, G replaced by T.
Protein change: p.Gly402Val; replaces glycine 402 with valine.
Molecular consequence: missense variant.
Genome position (GRCh38, 1-based): chr12:47,987,627, C>A on the plus strand (G>T on the coding strand, the complement: COL2A1 is on the minus strand). VCF-style: chr12-47987627-C-A. GRCh37 (hg19) VCF-style: chr12-48381410-C-A.
Other names: c.998G>T, p.Gly333Val (NM_033150.3); short protein forms G402V, G333V.
Identifiers: ClinVar variation 3720383 (VCV003720383.2).

ClinVar aggregate classification (germline): Likely pathogenic (1 of 4 stars; one submission).

Submission:

Labcorp Genetics (formerly Invitae), Labcorp
Classification: Likely pathogenic. Last evaluated: 2024-10-13. Review status: criteria provided, single submitter. Criteria: Invitae Variant Classification Sherloc (09022015). Collection method: clinical testing. Allele origin: germline.
Comment: This sequence change replaces glycine, which is neutral and non-polar, with valine, which is neutral and non-polar, at codon 402 of the COL2A1 protein (p.Gly402Val). This variant is not present in population databases (gnomAD no frequency). This missense change has been observed in individual(s) with clinical features of autosomal dominant achondrogenesis (internal data). Invitae Evidence Modeling of protein sequence and biophysical properties (such as structural, functional, and spatial information, amino acid conservation, physicochemical variation, residue mobility, and thermodynamic stability) indicates that this missense variant is expected to disrupt COL2A1 protein function with a positive predictive value of 95%. This variant disrupts the triple helix domain of COL2A1. Glycine residues within the Gly-Xaa-Yaa repeats of the triple helix domain are required for the structure and stability of fibrillar collagens (PMID: 7695699, 8218237, 19344236). In COL2A1, variants affecting these glycine residues are significantly enriched in individuals with disease (PMID: 9016532, 17078022) compared to the general population (ExAC). This variant disrupts the p.Gly402 amino acid residue in COL2A1. Other variant(s) that disrupt this residue have been observed in individuals with COL2A1-related conditions (PMID: 15895462; internal data), which suggests that this may be a clinically significant amino acid residue. In summary, the currently available evidence indicates that the variant is pathogenic, but additional data are needed to prove that conclusively. Therefore, this variant has been classified as Likely Pathogenic.

Literature cited by the submitters: PubMed 7695699; PubMed 8218237; PubMed 19344236; PubMed 9016532; PubMed 17078022; PubMed 15895462.